The following is an entry in ClinVar:

ClinVar aggregate classification (germline): Benign (1 of 4 stars; one submission).

Conditions:
Leigh syndrome (NULS). Also called: Leigh's necrotizing encephalopathy; Leigh's disease; Leigh Syndrome (mtDNA deletion); Leigh Disease; Subacute necrotizing encephalopathy; Necrotizing encephalopathy infantile subacute of Leigh. Identifiers: Orphanet 506, MedGen C2931891, MONDO:0009723, OMIM 256000.

Submission:

Wong Mito Lab, Molecular and Human Genetics, Baylor College of Medicine
Classification: Benign for Leigh syndrome. Last evaluated: 2019-10-17. Review status: criteria provided, single submitter. Criteria: Modified ACMG Guidelines (Unpublished). Collection method: clinical testing. Allele origin: germline.
Comment: The NC_012920.1:m.7754G>A (YP_003024029.1:p.Asp57Asn) variant in MTCO2 gene is interpretated to be a Benign variant based on the modified ACMG guidelines (unpublished). This variant meets the following evidence codes: BS1, BS2, BP4

NC_012920.1(MT-CO2):m.7754G>A

Gene: MT-CO2 (mitochondrially encoded cytochrome c oxidase II; plus strand).
Variant type: single nucleotide variant.
Genome position: chrM-7754-G-A.
Identifiers: ClinVar variation 692770 (VCV000692770.1), dbSNP rs1556423339, ClinGen allele CA414793577.